The following is an entry in ClinVar:

NM_002047.4(GARS1):c.1237A>G (p.Ile413Val)

Gene: GARS1 (glycyl-tRNA synthetase 1; plus strand). Cytogenetic location: 7p14.3.
Variant type: single nucleotide variant.
Coding change: c.1237A>G on transcript NM_002047.4 (MANE Select); coding-DNA position 1237, A replaced by G.
Protein change: p.Ile413Val; replaces isoleucine 413 with valine.
Molecular consequence: missense variant.
Genome position (GRCh38, 1-based): chr7:30,617,156, A>G. VCF-style: chr7-30617156-A-G. GRCh37 (hg19) VCF-style: chr7-30656772-A-G.
Other names: c.1075A>G, p.Ile359Val (NM_001316772.1); short protein forms I359V, I413V.
Identifiers: ClinVar variation 2827395 (VCV002827395.3), dbSNP rs2534313762, ClinGen allele CA367126967.

ClinVar aggregate classification (germline): Uncertain significance (1 of 4 stars; one submission).

Conditions:
Charcot-Marie-Tooth disease type 2. Also called: Charcot-Marie-Tooth type 2. Identifiers: Orphanet 64746, MedGen C0270914, MONDO:0018993.

Submission:

Labcorp Genetics (formerly Invitae), Labcorp
Classification: Uncertain significance for Charcot-Marie-Tooth disease type 2. Last evaluated: 2023-01-10. Review status: criteria provided, single submitter. Criteria: Invitae Variant Classification Sherloc (09022015). Collection method: clinical testing. Allele origin: germline.
Comment: In summary, the available evidence is currently insufficient to determine the role of this variant in disease. Therefore, it has been classified as a Variant of Uncertain Significance. This sequence change replaces isoleucine, which is neutral and non-polar, with valine, which is neutral and non-polar, at codon 413 of the GARS protein (p.Ile413Val). This variant is not present in population databases (gnomAD no frequency). This variant has not been reported in the literature in individuals affected with GARS-related conditions. Advanced modeling of protein sequence and biophysical properties (such as structural, functional, and spatial information, amino acid conservation, physicochemical variation, residue mobility, and thermodynamic stability) performed at Invitae indicates that this missense variant is not expected to disrupt GARS protein function.